The following is an entry in ClinVar:

ClinVar aggregate classification (germline): Benign. Review status: criteria provided, multiple submitters, no conflicts (2 of 4 stars). 12 submissions from 12 submitters: Benign (10). 2 of the submissions do not count toward it. Last evaluated 2026-02-04.

Conditions:
Polycystic kidney disease 4 (PKD4). Also called: POLYCYSTIC KIDNEY AND HEPATIC DISEASE 1; POLYCYSTIC KIDNEY DISEASE, INFANTILE, TYPE I; POLYCYSTIC KIDNEY DISEASE 4 WITH OR WITHOUT POLYCYSTIC LIVER DISEASE; Autosomal Recessive Polycystic Kidney Disease – PKHD1; PKD3. Identifiers: MedGen C4540575, MONDO:0033004, OMIM 263200.
Autosomal recessive polycystic kidney disease (ARPKD). Also called: AR polycystic kidney disease. Identifiers: Orphanet 731, Orphanet 8378, MedGen C0085548, MeSH D017044, MONDO:0009889.
Polycystic kidney disease. Also called: Polycystic kidney dysplasia; Kidney, Polycystic. Identifiers: MedGen C0022680, MeSH D007690, MONDO:0020642, HP:0000113.

Allele frequency attached by ClinVar (database versions not stated): gnomAD 0.52715 and 0.53332; TOPMed 0.53583; gnomAD exomes 0.56647 and 0.55671; ESP Exome Variant Server 0.52583; 1000 Genomes Project 30x 0.56262; ExAC 0.56297; 1000 Genomes Project 0.56569.
gnomAD v4.1: 894,165 of 1,613,906 alleles (55%); highest among the groups gnomAD compares: South Asian, 63%; 248,948 homozygotes.

Submissions (12):

Labcorp Genetics (formerly Invitae), Labcorp
Classification: Benign for Autosomal recessive polycystic kidney disease. Last evaluated: 2026-02-04. Review status: criteria provided, single submitter. Criteria: Invitae Variant Classification Sherloc (09022015). Collection method: clinical testing. Allele origin: germline.

Blueprint Genetics
Classification: Benign. Last evaluated: 2024-11-27. Review status: criteria provided, single submitter. Criteria: ACMG Guidelines, 2015. Collection method: clinical testing. Allele origin: germline.

Mayo Clinic Laboratories, Mayo Clinic
Classification: Benign. Last evaluated: 2022-09-30. Review status: criteria provided, single submitter. Criteria: ACMG Guidelines, 2015. Collection method: clinical testing. Allele origin: germline. Observed: 613 variant alleles.
Comment: BA1

Fulgent Genetics
Classification: Benign for Polycystic kidney disease 4. Last evaluated: 2021-10-25. Review status: criteria provided, single submitter. Criteria: ACMG Guidelines, 2015. Collection method: clinical testing. Allele origin: unknown.

Genome-Nilou Lab
Classification: Benign for Polycystic kidney disease 4. Last evaluated: 2021-09-05. Review status: criteria provided, single submitter. Criteria: ACMG Guidelines, 2015. Collection method: clinical testing. Allele origin: germline. Affected: no.

Pars Genome Lab
Classification: Benign for Polycystic kidney disease 4. Last evaluated: 2021-06-19. Review status: criteria provided, single submitter. Criteria: ACMG Guidelines, 2015. Collection method: clinical testing. Allele origin: germline. Affected: no.

GeneDx
Classification: Benign. Last evaluated: 2019-08-29. Review status: criteria provided, single submitter. Criteria: GeneDx Variant Classification Process June 2021. Collection method: clinical testing. Allele origin: germline. Affected: yes.
Comment: This variant is associated with the following publications: (PMID: 28509106)

Illumina Laboratory Services, Illumina
Classification: Benign for Polycystic kidney disease 4. Last evaluated: 2018-01-13. Review status: criteria provided, single submitter. Criteria: ICSL Variant Classification Criteria 13 December 2019. Collection method: clinical testing. Allele origin: germline.
Comment: This variant was observed in the ICSL laboratory as part of a predisposition screen in an ostensibly healthy population. It had not been previously curated by ICSL or reported in the Human Gene Mutation Database (HGMD: prior to June 1st, 2018), and was therefore a candidate for classification through an automated scoring system. Utilizing variant allele frequency, disease prevalence and penetrance estimates, and inheritance mode, an automated score was calculated to assess if this variant is too frequent to cause the disease. Based on the score and internal cut-off values, a variant classified as benign is not then subjected to further curation. The score for this variant resulted in a classification of benign for this disease.

Eurofins Ntd Llc (ga)
Classification: Benign. Last evaluated: 2015-10-27. Review status: criteria provided, single submitter. Criteria: EGL Classification Definitions 2015. Collection method: clinical testing. Allele origin: germline. Observed: 141 variant alleles, 84 heterozygotes, 57 homozygotes.

PreventionGenetics, part of Exact Sciences
Classification: Benign. Review status: criteria provided, single submitter. Criteria: ACMG Guidelines, 2015. Collection method: clinical testing. Allele origin: germline.

Natera, Inc.
Classification: Benign for Autosomal recessive polycystic kidney disease. Last evaluated: 2017-05-11. Review status: no assertion criteria provided. Collection method: clinical testing. Allele origin: germline. Not counted in ClinVar's aggregate classification.

Department of Pathology and Laboratory Medicine, Sinai Health System
Classification: Benign for Polycystic Kidney disease. Review status: no assertion criteria provided. Collection method: clinical testing. Allele origin: unknown. Affected: yes. Study: The Canadian Open Genetics Repository (COGR). Not counted in ClinVar's aggregate classification.
Comment: Thec.12143A>G, p.Gln4048Arg variant was identified in 56.3% of 68262 control alleles in the Exome Aggregation Consortium (March 14, 2016). According to ACMG guidelines for variant classification based on allele frequency, category BA1, this variant is considered benign and has not been further reviewed (Richards 2015).

NM_138694.4(PKHD1):c.12143A>G (p.Gln4048Arg)

Gene: PKHD1 (PKHD1 ciliary IPT domain containing fibrocystin/polyductin; minus strand). Cytogenetic location: 6p12.3.
Variant type: single nucleotide variant.
Coding change: c.12143A>G on transcript NM_138694.4 (MANE Select); coding-DNA position 12143, A replaced by G.
Protein change: p.Gln4048Arg; replaces glutamine 4048 with arginine.
Molecular consequence: missense variant.
Genome position (GRCh38, 1-based): chr6:51,619,163, T>C on the plus strand (A>G on the coding strand, the complement: PKHD1 is on the minus strand). VCF-style: chr6-51619163-T-C. GRCh37 (hg19) VCF-style: chr6-51483961-T-C.
Other names: short protein forms Q4048R.
Identifiers: ClinVar variation 96376 (VCV000096376.37), dbSNP rs9381994, ClinGen allele CA149488.